The following is an entry in ClinVar:

ClinVar aggregate classification (germline): Uncertain significance. Review status: criteria provided, multiple submitters, no conflicts (2 of 4 stars). 2 submissions from 2 submitters: Uncertain significance (2). Last evaluated 2025-06-12.

Conditions:
Autosomal recessive polycystic kidney disease (ARPKD). Also called: AR polycystic kidney disease. Identifiers: Orphanet 731, Orphanet 8378, MedGen C0085548, MeSH D017044, MONDO:0009889.
Polycystic kidney disease 4 (PKD4). Also called: POLYCYSTIC KIDNEY DISEASE 4 WITH OR WITHOUT POLYCYSTIC LIVER DISEASE; PKD3; Autosomal Recessive Polycystic Kidney Disease – PKHD1; POLYCYSTIC KIDNEY AND HEPATIC DISEASE 1; POLYCYSTIC KIDNEY DISEASE, INFANTILE, TYPE I. Identifiers: MedGen C4540575, MONDO:0033004, OMIM 263200.

Allele frequency attached by ClinVar (database versions not stated): gnomAD exomes 0.00002; gnomAD 0.00003; TOPMed 0.00003; ExAC 0.00004; ESP Exome Variant Server 0.00015.
gnomAD v4.1: 32 of 1,613,422 alleles (0.002%); highest among the groups gnomAD compares: African/African-American, 0.0053%; no homozygotes.

Submissions (2):

Labcorp Genetics (formerly Invitae), Labcorp
Classification: Uncertain significance for Autosomal recessive polycystic kidney disease. Last evaluated: 2025-06-12. Review status: criteria provided, single submitter. Criteria: Invitae Variant Classification Sherloc (09022015). Collection method: clinical testing. Allele origin: germline.
Comment: This sequence change replaces glutamic acid, which is acidic and polar, with lysine, which is basic and polar, at codon 2195 of the PKHD1 protein (p.Glu2195Lys). This variant is present in population databases (rs151108325, gnomAD 0.004%). This variant has not been reported in the literature in individuals affected with PKHD1-related conditions. ClinVar contains an entry for this variant (Variation ID: 1420032). Invitae Evidence Modeling of protein sequence and biophysical properties (such as structural, functional, and spatial information, amino acid conservation, physicochemical variation, residue mobility, and thermodynamic stability) indicates that this missense variant is not expected to disrupt PKHD1 protein function with a negative predictive value of 95%. In summary, the available evidence is currently insufficient to determine the role of this variant in disease. Therefore, it has been classified as a Variant of Uncertain Significance.

Fulgent Genetics
Classification: Uncertain significance for Polycystic kidney disease 4. Last evaluated: 2024-05-01. Review status: criteria provided, single submitter. Criteria: ACMG Guidelines, 2015. Collection method: clinical testing. Allele origin: germline.

NM_138694.4(PKHD1):c.6583G>A (p.Glu2195Lys)

Gene: PKHD1 (PKHD1 ciliary IPT domain containing fibrocystin/polyductin; minus strand). Cytogenetic location: 6p12.2.
Variant type: single nucleotide variant.
Coding change: c.6583G>A on transcript NM_138694.4 (MANE Select); coding-DNA position 6583, G replaced by A.
Protein change: p.Glu2195Lys; replaces glutamic acid 2195 with lysine.
Molecular consequence: missense variant.
Genome position (GRCh38, 1-based): chr6:51,909,382, C>T on the plus strand (G>A on the coding strand, the complement: PKHD1 is on the minus strand). VCF-style: chr6-51909382-C-T. GRCh37 (hg19) VCF-style: chr6-51774180-C-T.
Other names: c.6583G>A, p.Glu2195Lys (NM_170724.3); short protein forms E2195K.
Identifiers: ClinVar variation 1420032 (VCV001420032.6), dbSNP rs151108325, ClinGen allele CA3852227.
Genomic context (GRCh38, chr6:51,909,382, plus strand): 5'-TATGGAAGGCTTGCCCCAAGACTTGAAACTGCACTCCCTTCAACTGGACCTGGCTGGGCT[C>T]TTCTGGGAAGGACTGAACGATCACTCTGGCTCCCATATCCCTGGATCCTAGCATCTTCTC-3'
Protein context (NP_619639.3, residues 2185-2205): ARVIVQSFPE[Glu2195Lys]PSQVQLKGVQ